The following is an entry in ClinVar:

NM_001352027.3(PHF21A):c.1228-20del

Gene: PHF21A (PHD finger protein 21A; minus strand). Cytogenetic location: 11p11.2.
Variant type: Deletion.
Coding change: c.1228-20del on transcript NM_001352027.3 (MANE Select); 20 bases into the intron before coding-DNA position 1228, one base deleted (T; older notation c.1228-20delT).
Molecular consequence: intron variant.
Genome position (GRCh38, 1-based): chr11:45,948,966, A deleted on the plus strand (T on the coding strand, the reverse complement: PHF21A is on the minus strand); the first of 3 consecutive A bases (chr11:45,948,966-45,948,968); deleting any one gives the same sequence. VCF-style (leftmost placement, unchanged base first): chr11-45948965-GA-G. GRCh37 (hg19) VCF-style: chr11-45970516-GA-G.
Other names: c.1225-20del (NM_001352030.3, NM_001101802.3, NM_001352031.3 and 1 more transcripts); c.1228-20del (NM_001352026.3, NM_016621.5, NM_001352025.3 and 2 more transcripts).
Identifiers: ClinVar variation 3653309 (VCV003653309.2).

ClinVar aggregate classification (germline): Uncertain significance (1 of 4 stars; one submission).

Submission:

Labcorp Genetics (formerly Invitae), Labcorp
Classification: Uncertain significance. Last evaluated: 2024-05-22. Review status: criteria provided, single submitter. Criteria: Invitae Variant Classification Sherloc (09022015). Collection method: clinical testing. Allele origin: germline.
Comment: This sequence change falls in intron 12 of the PHF21A gene. It does not directly change the encoded amino acid sequence of the PHF21A protein. This variant is not present in population databases (gnomAD no frequency). This variant has not been reported in the literature in individuals affected with PHF21A-related conditions. Algorithms developed to predict the effect of sequence changes on RNA splicing suggest that this variant may disrupt the consensus splice site. In summary, the available evidence is currently insufficient to determine the role of this variant in disease. Therefore, it has been classified as a Variant of Uncertain Significance.